The following is an entry in ClinVar:

ClinVar aggregate classification (germline): Pathogenic (1 of 4 stars; one submission).

Conditions:
Alagille syndrome due to a JAG1 point mutation. Also called: HEPATIC DUCTULAR HYPOPLASIA, SYNDROMATIC; JAG1-Related Alagille Syndrome; Alagille Syndrome 1. Identifiers: Orphanet 261619, Orphanet 52, MedGen C1956125, MONDO:0016862, OMIM 118450.

Submission:

Labcorp Genetics (formerly Invitae), Labcorp
Classification: Pathogenic for Alagille syndrome due to a JAG1 point mutation. Last evaluated: 2024-10-15. Review status: criteria provided, single submitter. Criteria: Invitae Variant Classification Sherloc (09022015). Collection method: clinical testing. Allele origin: germline.
Comment: This sequence change creates a premature translational stop signal (p.Pro871*) in the JAG1 gene. It is expected to result in an absent or disrupted protein product. Loss-of-function variants in JAG1 are known to be pathogenic (PMID: 11180599). Information on the frequency of this variant in the gnomAD database is not available, as this variant may be reported differently in the database. This premature translational stop signal has been observed in individual(s) with Alagille syndrome (PMID: 9585603). In at least one individual the variant was observed to be de novo. This variant is also known as p.Pro866X. ClinVar contains an entry for this variant (Variation ID: 1406175). For these reasons, this variant has been classified as Pathogenic.

Literature cited by the submitters: PubMed 11180599; PubMed 9585603.

NM_000214.3(JAG1):c.2611_2612delinsTG (p.Pro871Ter)

Gene: JAG1 (jagged canonical Notch ligand 1; minus strand). Cytogenetic location: 20p12.2.
Variant type: Indel.
Coding change: c.2611_2612delinsTG on transcript NM_000214.3 (MANE Select); coding-DNA positions 2611 to 2612, CC replaced by TG.
Protein change: p.Pro871Ter; replaces proline 871 with a stop codon.
Molecular consequence: nonsense.
Genome position (GRCh38, 1-based): chr20:10,641,853-10,641,854, GG replaced by CA on the plus strand (CC replaced by TG on the coding strand, the reverse complement: JAG1 is on the minus strand). VCF-style: chr20-10641853-GG-CA. GRCh37 (hg19) VCF-style: chr20-10622501-GG-CA.
Other names: short protein forms P871*.
Identifiers: ClinVar variation 1406175 (VCV001406175.8), dbSNP rs2122597347, ClinGen allele CA2573156863.
Genomic context (GRCh38, chr20:10,641,853, plus strand): 5'-GCGATCCGTCCATTCAGGCACTGGCAGGTATTACAGTCATCATCCCATTTGGCCCCATCT[GG>CA]TATCACACTCCCCATGGTGATGCAAGGTCTCCCTGAAACTGACAGGTGGAGACGGGTGAG-3'